The following is an entry in ClinVar:

NC_000011.10:g.(?_103303073)_(103316640_?)del

Gene: DYNC2H1 (dynein cytoplasmic 2 heavy chain 1; plus strand). Cytogenetic location: 11q22.3.
Variant type: Deletion.
Identifiers: ClinVar variation 459274 (VCV000459274.7).

ClinVar aggregate classification (germline): Likely pathogenic (1 of 4 stars; one submission).

Conditions:
Jeune thoracic dystrophy. Also called: Jeune syndrome; Infantile thoracic dystrophy; Thoracic pelvic phalangeal dystrophy; Jeune's syndrome; Chondroectodermal dysplasia-like syndrome; Short-rib thoracic dysplasia. Identifiers: Orphanet 474, MedGen C0265275, MONDO:0018770.

Submission:

Labcorp Genetics (formerly Invitae), Labcorp
Classification: Likely pathogenic for Jeune thoracic dystrophy. Last evaluated: 2023-11-02. Review status: criteria provided, single submitter. Criteria: Invitae Variant Classification Sherloc (09022015). Collection method: clinical testing. Allele origin: germline.
Comment: This variant is a gross deletion of the genomic region encompassing exon(s) 77-81 of the DYNC2H1 gene. This variant would be expected to be in-frame, preserving the integrity of the reading frame. A similar copy number variant has been observed in individual(s) with asphyxiating thoracic dystrophy (Invitae). It has also been observed to segregate with disease in related individuals. This variant disrupts a region of the DYNC2H1 protein in which other variant(s) (p.Ile3835Arg) have been observed in individuals with DYNC2H1-related conditions (PMID: 35277174). This suggests that this is a clinically significant region of the protein, and that variants that disrupt it are likely to be disease-causing. In summary, the currently available evidence indicates that the variant is pathogenic, but additional data are needed to prove that conclusively. Therefore, this variant has been classified as Likely Pathogenic.

Literature cited by the submitters: PubMed 35277174.